The following is an entry in ClinVar:

ClinVar aggregate classification (germline): Uncertain significance. Review status: criteria provided, multiple submitters, no conflicts (2 of 4 stars). 3 submissions from 3 submitters: Uncertain significance (2). 1 of the submissions does not count toward it. Last evaluated 2025-12-04.

Conditions:
PTCH2-related disorder. Also called: PTCH2-related condition; PTCH2-related disease.
Gorlin syndrome. Also called: Nevoid Basal Cell Carcinoma Syndrome; Basal cell nevus syndrome. Identifiers: Orphanet 377, MedGen C0004779, MONDO:0007187.

Allele frequency attached by ClinVar (database versions not stated): gnomAD 0.00001; TOPMed 0.00002; ExAC 0.00003; gnomAD exomes 0.00003; ESP Exome Variant Server 0.00008.
gnomAD v4.1: 31 of 1,614,038 alleles (0.0019%); highest among the groups gnomAD compares: South Asian, 0.0055%; no homozygotes.

Submissions (3):

Ambry Genetics
Classification: Uncertain significance. Last evaluated: 2025-12-04. Review status: criteria provided, single submitter. Criteria: Ambry Variant Classification Scheme 2023. Collection method: clinical testing. Allele origin: germline.

Labcorp Genetics (formerly Invitae), Labcorp
Classification: Uncertain significance for Gorlin syndrome. Last evaluated: 2025-09-23. Review status: criteria provided, single submitter. Criteria: Invitae Variant Classification Sherloc (09022015). Collection method: clinical testing. Allele origin: germline.
Comment: This sequence change replaces arginine, which is basic and polar, with cysteine, which is neutral and slightly polar, at codon 673 of the PTCH2 protein (p.Arg673Cys). This variant is present in population databases (rs151287275, gnomAD 0.01%). This variant has not been reported in the literature in individuals affected with PTCH2-related conditions. ClinVar contains an entry for this variant (Variation ID: 1495798). Invitae Evidence Modeling of protein sequence and biophysical properties (such as structural, functional, and spatial information, amino acid conservation, physicochemical variation, residue mobility, and thermodynamic stability) indicates that this missense variant is not expected to disrupt PTCH2 protein function with a negative predictive value of 80%. In summary, the available evidence is currently insufficient to determine the role of this variant in disease. Therefore, it has been classified as a Variant of Uncertain Significance.

PreventionGenetics, part of Exact Sciences
Classification: Uncertain significance for PTCH2-related condition. Last evaluated: 2024-04-09. Review status: no assertion criteria provided. Collection method: clinical testing. Allele origin: germline. Not counted in ClinVar's aggregate classification.
Comment: The PTCH2 c.2017C>T variant is predicted to result in the amino acid substitution p.Arg673Cys. To our knowledge, this variant has not been reported in the literature. This variant is reported in 0.013% of alleles in individuals of South Asian descent in gnomAD and is reported as a variant of uncertain significance in ClinVar. At this time, the clinical significance of this variant is uncertain due to the absence of conclusive functional and genetic evidence.

NM_003738.5(PTCH2):c.2017C>T (p.Arg673Cys)

Gene: PTCH2 (patched 2; minus strand). Cytogenetic location: 1p34.1.
Variant type: single nucleotide variant.
Coding change: c.2017C>T on transcript NM_003738.5 (MANE Select); coding-DNA position 2017, C replaced by T.
Protein change: p.Arg673Cys; replaces arginine 673 with cysteine.
Molecular consequence: missense variant.
Genome position (GRCh38, 1-based): chr1:44,827,884, G>A on the plus strand (C>T on the coding strand, the complement: PTCH2 is on the minus strand). VCF-style: chr1-44827884-G-A. GRCh37 (hg19) VCF-style: chr1-45293556-G-A.
Other names: c.2017C>T (NM_003738.4); c.2017C>T, p.Arg673Cys (NM_001166292.2); short protein forms R673C.
Identifiers: ClinVar variation 1495798 (VCV001495798.12), dbSNP rs151287275, ClinGen allele CA823131.